The following is an entry in ClinVar:

NM_001378969.1(KCND3):c.1702C>T (p.Arg568Cys)

Gene: KCND3 (potassium voltage-gated channel subfamily D member 3; minus strand). Cytogenetic location: 1p13.2.
Variant type: single nucleotide variant.
Coding change: c.1702C>T on transcript NM_001378969.1 (MANE Select); coding-DNA position 1702, C replaced by T.
Protein change: p.Arg568Cys; replaces arginine 568 with cysteine.
Molecular consequence: missense variant.
Genome position (GRCh38, 1-based): chr1:111,777,090, G>A on the plus strand (C>T on the coding strand, the complement: KCND3 is on the minus strand). VCF-style: chr1-111777090-G-A. GRCh37 (hg19) VCF-style: chr1-112319712-G-A.
Other names: c.1645C>T, p.Arg549Cys (NM_001378970.1, NM_172198.3); c.1702C>T, p.Arg568Cys (NM_004980.5); short protein forms R549C, R568C.
Identifiers: ClinVar variation 1445313 (VCV001445313.13), dbSNP rs144120746, ClinGen allele CA1007370.
Genomic context (GRCh38, chr1:111,777,090, plus strand): 5'-TTGTGAGGGAGGGCTGCTCACTGCCCTGGATGTGGATCGTGCTGAGCTCTTGCATGCTGC[G>A]CAGGCGAGTAGCTGGCAGGTTAGAATTGGGCAGGTGTGTGGTCTTCTTACTACGACGGGA-3'
Protein context (NP_001365898.1, residues 558-578): PNSNLPATRL[Arg568Cys]SMQELSTIHI

ClinVar aggregate classification (germline): Conflicting classifications of pathogenicity. Review status: criteria provided, conflicting classifications (1 of 4 stars). 4 submissions from 4 submitters: Uncertain significance (2); Likely benign (2). Last evaluated 2026-04-16.

Conditions:
Cardiovascular phenotype. Identifiers: MedGen CN230736.
Spinocerebellar ataxia type 19/22 (SCA19). Also called: SPINOCEREBELLAR ATAXIA 22; SPINOCEREBELLAR ATAXIA 19. Identifiers: Orphanet 98772, MedGen C1846367, MONDO:0011819, OMIM 607346.
Brugada syndrome 9 (BRGDA9). Identifiers: Orphanet 130, MedGen C4225340, MONDO:0014621, OMIM 616399.

Allele frequency attached by ClinVar (database versions not stated): gnomAD exomes 0.00004; ExAC 0.00006; gnomAD 0.00010 and 0.00011; TOPMed 0.00012; 1000 Genomes Project 30x 0.00016; 1000 Genomes Project 0.00020; ESP Exome Variant Server 0.00038.
gnomAD v4.1: 51 of 1,614,052 alleles (0.0032%); highest among the groups gnomAD compares: African/African-American, 0.032%; no homozygotes.

Submissions (4):

GeneDx
Classification: Uncertain significance. Last evaluated: 2026-04-16. Review status: criteria provided, single submitter. Criteria: GeneDx Variant Classification Process June 2021. Collection method: clinical testing. Allele origin: germline.
Comment: In silico analysis indicates that this missense variant does not alter protein structure/function; Has not been previously published as pathogenic or benign to our knowledge

Labcorp Genetics (formerly Invitae), Labcorp
Classification: Likely benign for Spinocerebellar ataxia type 19/22. Last evaluated: 2026-01-07. Review status: criteria provided, single submitter. Criteria: Invitae Variant Classification Sherloc (09022015). Collection method: clinical testing. Allele origin: germline.

Ambry Genetics
Classification: Likely benign for Cardiovascular phenotype. Last evaluated: 2023-09-21. Review status: criteria provided, single submitter. Criteria: Ambry Variant Classification Scheme 2023. Collection method: clinical testing. Allele origin: germline.

Fulgent Genetics
Classification: Uncertain significance for Spinocerebellar ataxia type 19/22; Brugada syndrome 9. Last evaluated: 2021-10-28. Review status: criteria provided, single submitter. Criteria: ACMG Guidelines, 2015. Collection method: clinical testing. Allele origin: unknown.